The following is an entry in ClinVar:

ClinVar aggregate classification (germline): Uncertain significance (1 of 4 stars; one submission).

Conditions:
Ataxia-telangiectasia syndrome (AT). Also called: ATAXIA-TELANGIECTASIA, COMPLEMENTATION GROUP A; ATAXIA-TELANGIECTASIA, FRESNO VARIANT; Ataxia-telangiectasia, complementation group D; LOUIS-BAR SYNDROME; AT, COMPLEMENTATION GROUP C; Ataxia-telangiectasia. Identifiers: Orphanet 100, MedGen C0004135, MONDO:0008840, OMIM 208900.

Submission:

Labcorp Genetics (formerly Invitae), Labcorp
Classification: Uncertain significance for Ataxia-telangiectasia syndrome. Last evaluated: 2024-01-07. Review status: criteria provided, single submitter. Criteria: Invitae Variant Classification Sherloc (09022015). Collection method: clinical testing. Allele origin: germline.
Comment: This sequence change replaces leucine, which is neutral and non-polar, with proline, which is neutral and non-polar, at codon 263 of the ATM protein (p.Leu263Pro). This variant is not present in population databases (gnomAD no frequency). This variant has not been reported in the literature in individuals affected with ATM-related conditions. An algorithm developed to predict the effect of missense changes on protein structure and function (PolyPhen-2) suggests that this variant is likely to be disruptive. In summary, the available evidence is currently insufficient to determine the role of this variant in disease. Therefore, it has been classified as a Variant of Uncertain Significance.

NM_000051.4(ATM):c.788T>C (p.Leu263Pro)

Gene: ATM (ATM serine/threonine kinase; plus strand). Cytogenetic location: 11q22.3.
Variant type: single nucleotide variant.
Coding change: c.788T>C on transcript NM_000051.4 (MANE Select); coding-DNA position 788, T replaced by C.
Protein change: p.Leu263Pro; replaces leucine 263 with proline.
Molecular consequence: missense variant.
Genome position (GRCh38, 1-based): chr11:108,244,913, T>C. VCF-style: chr11-108244913-T-C. GRCh37 (hg19) VCF-style: chr11-108115640-T-C.
Other names: c.788T>C, p.Leu263Pro (NM_001351834.2); short protein forms L263P.
Identifiers: ClinVar variation 2708068 (VCV002708068.3), dbSNP rs2079765536, ClinGen allele CA382529344.